The following is an entry in ClinVar:

NM_003884.5(KAT2B):c.362C>G (p.Pro121Arg)

Gene: KAT2B (lysine acetyltransferase 2B; plus strand). Cytogenetic location: 3p24.3.
Variant type: single nucleotide variant.
Coding change: c.362C>G on transcript NM_003884.5 (MANE Select); coding-DNA position 362, C replaced by G.
Protein change: p.Pro121Arg; replaces proline 121 with arginine.
Molecular consequence: missense variant.
Genome position (GRCh38, 1-based): chr3:20,072,391, C>G. VCF-style: chr3-20072391-C-G. GRCh37 (hg19) VCF-style: chr3-20113883-C-G.
Other names: short protein forms P121R.
Identifiers: ClinVar variation 2590339 (VCV002590339.3), dbSNP rs200560854, ClinGen allele CA2284335.

ClinVar aggregate classification (germline): Uncertain significance. Review status: criteria provided, single submitter (1 of 4 stars). 2 submissions from 2 submitters: Uncertain significance (1). 1 of the submissions does not count toward it. Last evaluated 2023-08-02.

Conditions:
KAT2B-related disorder. Also called: KAT2B-related condition.

Allele frequency attached by ClinVar (database versions not stated): TOPMed 0.00012.
gnomAD v4.1: 260 of 1,613,264 alleles (0.016%); highest among the groups gnomAD compares: Non-Finnish European, 0.02%; no homozygotes.

Submissions (2):

Ambry Genetics
Classification: Uncertain significance. Last evaluated: 2023-08-02. Review status: criteria provided, single submitter. Criteria: Ambry Variant Classification Scheme 2023. Collection method: clinical testing. Allele origin: germline.

PreventionGenetics, part of Exact Sciences
Classification: Uncertain significance for KAT2B-related condition. Last evaluated: 2024-05-04. Review status: no assertion criteria provided. Collection method: clinical testing. Allele origin: germline. Not counted in ClinVar's aggregate classification.
Comment: The KAT2B c.362C>G variant is predicted to result in the amino acid substitution p.Pro121Arg. To our knowledge, this variant has not been reported in the literature. This variant is reported in 0.016% of alleles in individuals of African descent in gnomAD. At this time, the clinical significance of this variant is uncertain due to the absence of conclusive functional and genetic evidence.